The following is an entry in ClinVar:

NM_001378452.1(ITPR1):c.4526C>G (p.Thr1509Arg)

Gene: ITPR1 (inositol 1,4,5-trisphosphate receptor type 1; plus strand). Cytogenetic location: 3p26.1.
Variant type: single nucleotide variant.
Coding change: c.4526C>G on transcript NM_001378452.1 (MANE Select); coding-DNA position 4526, C replaced by G.
Protein change: p.Thr1509Arg; replaces threonine 1509 with arginine.
Molecular consequence: missense variant.
Genome position (GRCh38, 1-based): chr3:4,699,931, C>G. VCF-style: chr3-4699931-C-G. GRCh37 (hg19) VCF-style: chr3-4741615-C-G.
Other names: c.4499C>G, p.Thr1500Arg (NM_001099952.4); c.4481C>G, p.Thr1494Arg (NM_001168272.2); c.4454C>G, p.Thr1485Arg (NM_002222.7); short protein forms T1494R, T1485R, T1500R, T1509R.
Identifiers: ClinVar variation 284362 (VCV000284362.9), dbSNP rs370021605, ClinGen allele CA2232015.

ClinVar aggregate classification (germline): Uncertain significance. Review status: criteria provided, multiple submitters, no conflicts (2 of 4 stars). 2 submissions from 2 submitters: Uncertain significance (2). Last evaluated 2024-03-04.

Allele frequency attached by ClinVar (database versions not stated): ExAC 0.00002.
gnomAD v4.1: 4 of 1,613,114 alleles (0.00025%); highest among the groups gnomAD compares: Admixed American, 0.005%; no homozygotes.

Submissions (2):

Labcorp Genetics (formerly Invitae), Labcorp
Classification: Uncertain significance. Last evaluated: 2024-03-04. Review status: criteria provided, single submitter. Criteria: Invitae Variant Classification Sherloc (09022015). Collection method: clinical testing. Allele origin: germline.
Comment: This sequence change replaces threonine, which is neutral and polar, with arginine, which is basic and polar, at codon 1485 of the ITPR1 protein (p.Thr1485Arg). This variant is present in population databases (rs370021605, gnomAD 0.009%). This variant has not been reported in the literature in individuals affected with ITPR1-related conditions. ClinVar contains an entry for this variant (Variation ID: 284362). Advanced modeling of protein sequence and biophysical properties (such as structural, functional, and spatial information, amino acid conservation, physicochemical variation, residue mobility, and thermodynamic stability) has been performed at Invitae for this missense variant, however the output from this modeling did not meet the statistical confidence thresholds required to predict the impact of this variant on ITPR1 protein function. In summary, the available evidence is currently insufficient to determine the role of this variant in disease. Therefore, it has been classified as a Variant of Uncertain Significance.

Eurofins Ntd Llc (ga)
Classification: Uncertain significance. Last evaluated: 2015-11-06. Review status: criteria provided, single submitter. Criteria: EGL Classification Definitions 2015. Collection method: clinical testing. Allele origin: germline. Observed: 1 variant allele, 1 heterozygote.